The following is an entry in ClinVar:

NM_007325.5(GRIA3):c.696+5G>A

Gene: GRIA3 (glutamate ionotropic receptor AMPA type subunit 3; plus strand). Cytogenetic location: Xq25.
Variant type: single nucleotide variant.
Coding change: c.696+5G>A on transcript NM_007325.5 (MANE Select); 5 bases into the intron after coding-DNA position 696, G replaced by A.
Molecular consequence: intron variant.
Genome position (GRCh38, 1-based): chrX:123,326,218, G>A. VCF-style: chrX-123326218-G-A. GRCh37 (hg19) VCF-style: chrX-122460069-G-A.
Other names: c.696+5G>A (NM_000828.5).
Identifiers: ClinVar variation 1495851 (VCV001495851.8), dbSNP rs748084966, ClinGen allele CA10506931.

ClinVar aggregate classification (germline): Uncertain significance. Review status: criteria provided, multiple submitters, no conflicts (2 of 4 stars). 2 submissions from 2 submitters: Uncertain significance (2). Last evaluated 2025-09-14.

Conditions:
Inborn genetic diseases. Identifiers: MedGen C0950123, MeSH D030342.

Allele frequency attached by ClinVar (database versions not stated): gnomAD 0.00002; gnomAD exomes 0.00003 and 0.00005; TOPMed 0.00004; ExAC 0.00007.
gnomAD v4.1: 39 of 1,191,064 alleles (0.0033%); highest among the groups gnomAD compares: Middle Eastern, 0.023%; no homozygotes.

Submissions (2):

Labcorp Genetics (formerly Invitae), Labcorp
Classification: Uncertain significance. Last evaluated: 2025-09-14. Review status: criteria provided, single submitter. Criteria: Invitae Variant Classification Sherloc (09022015). Collection method: clinical testing. Allele origin: germline.
Comment: This sequence change falls in intron 4 of the GRIA3 gene. It does not directly change the encoded amino acid sequence of the GRIA3 protein. It affects a nucleotide within the consensus splice site. This variant is present in population databases (rs748084966, gnomAD 0.03%). This variant has not been reported in the literature in individuals affected with GRIA3-related conditions. ClinVar contains an entry for this variant (Variation ID: 1495851). Variants that disrupt the consensus splice site are a relatively common cause of aberrant splicing (PMID: 17576681, 9536098). Algorithms developed to predict the effect of sequence changes on RNA splicing suggest that this variant is not likely to affect RNA splicing. In summary, the available evidence is currently insufficient to determine the role of this variant in disease. Therefore, it has been classified as a Variant of Uncertain Significance.

Ambry Genetics
Classification: Uncertain significance for Inborn genetic diseases. Last evaluated: 2020-12-04. Review status: criteria provided, single submitter. Criteria: Ambry Variant Classification Scheme 2023. Collection method: clinical testing. Allele origin: germline.
Comment: The c.696+5G>A intronic alteration consists of a G to A substitution nucleotides after coding exon 4 in the GRIA3 gene. Based on insufficient or conflicting evidence, the clinical significance of this alteration remains unclear.

Literature cited by the submitters: PubMed 17576681 (cited by Labcorp Genetics (formerly Invitae), Labcorp); PubMed 9536098 (cited by Labcorp Genetics (formerly Invitae), Labcorp).